The following is an entry in ClinVar:

ClinVar aggregate classification (germline): Benign/Likely benign. Review status: criteria provided, multiple submitters, no conflicts (2 of 4 stars). 2 submissions from 2 submitters: Benign (1); Likely benign (1). Last evaluated 2025-11-30.

Conditions:
Heterotaxy, visceral, 4, autosomal (HTX4). Identifiers: Orphanet 450, MedGen C3151057, MONDO:0013403, OMIM 613751.

Allele frequency attached by ClinVar (database versions not stated): 1000 Genomes Project 0.00020; ESP Exome Variant Server 0.00023; 1000 Genomes Project 30x 0.00031; gnomAD 0.00034 and 0.00035; TOPMed 0.00043; ExAC 0.00045.

Submissions (2):

Labcorp Genetics (formerly Invitae), Labcorp
Classification: Benign for Heterotaxy, visceral, 4, autosomal. Last evaluated: 2025-11-30. Review status: criteria provided, single submitter. Criteria: Invitae Variant Classification Sherloc (09022015). Collection method: clinical testing. Allele origin: germline.

Illumina Laboratory Services, Illumina
Classification: Likely benign for Heterotaxy, visceral, 4, autosomal. Last evaluated: 2018-01-12. Review status: criteria provided, single submitter. Criteria: ICSL Variant Classification Criteria 13 December 2019. Collection method: clinical testing. Allele origin: germline.
Comment: This variant was observed in the ICSL laboratory as part of a predisposition screen in an ostensibly healthy population. It had not been previously curated by ICSL or reported in the Human Gene Mutation Database (HGMD: prior to June 1st, 2018), and was therefore a candidate for classification through an automated scoring system. Utilizing variant allele frequency, disease prevalence and penetrance estimates, and inheritance mode, an automated score was calculated to assess if this variant is too frequent to cause the disease. Based on the score and internal cut-off values, a variant classified as likely benign is not then subjected to further curation. The score for this variant resulted in a classification of likely benign for this disease.

NM_001106.4(ACVR2B):c.1444C>T (p.Arg482Trp)

Gene: ACVR2B (activin A receptor type 2B; plus strand). Cytogenetic location: 3p22.2.
Variant type: single nucleotide variant.
Coding change: c.1444C>T on transcript NM_001106.4 (MANE Select); coding-DNA position 1444, C replaced by T.
Protein change: p.Arg482Trp; replaces arginine 482 with tryptophan.
Molecular consequence: missense variant.
Genome position (GRCh38, 1-based): chr3:38,483,237, C>T. VCF-style: chr3-38483237-C-T. GRCh37 (hg19) VCF-style: chr3-38524728-C-T.
Other names: short protein forms R482W.
Identifiers: ClinVar variation 344918 (VCV000344918.13), dbSNP rs144370188, ClinGen allele CA2319078.